The following is an entry in ClinVar:

ClinVar aggregate classification (germline): Uncertain significance. Review status: criteria provided, multiple submitters, no conflicts (2 of 4 stars). 2 submissions from 2 submitters: Uncertain significance (2). Last evaluated 2025-08-24.

Conditions:
Inborn genetic diseases. Identifiers: MedGen C0950123, MeSH D030342.

Allele frequency attached by ClinVar (database versions not stated): TOPMed 0.00003; gnomAD 0.00001.
gnomAD v4.1: 4 of 1,612,940 alleles (0.00025%); highest among the groups gnomAD compares: Non-Finnish European, 0.00034%; no homozygotes.

Submissions (2):

Ambry Genetics
Classification: Uncertain significance for Inborn genetic diseases. Last evaluated: 2025-08-24. Review status: criteria provided, single submitter. Criteria: Ambry Variant Classification Scheme 2023. Collection method: clinical testing. Allele origin: germline.

Labcorp Genetics (formerly Invitae), Labcorp
Classification: Uncertain significance. Last evaluated: 2025-02-17. Review status: criteria provided, single submitter. Criteria: Invitae Variant Classification Sherloc (09022015). Collection method: clinical testing. Allele origin: germline.
Comment: This sequence change replaces leucine, which is neutral and non-polar, with proline, which is neutral and non-polar, at codon 294 of the LEMD3 protein (p.Leu294Pro). This variant is present in population databases (no rsID available, gnomAD 0.0009%). This variant has not been reported in the literature in individuals affected with LEMD3-related conditions. ClinVar contains an entry for this variant (Variation ID: 2899080). Invitae Evidence Modeling of protein sequence and biophysical properties (such as structural, functional, and spatial information, amino acid conservation, physicochemical variation, residue mobility, and thermodynamic stability) indicates that this missense variant is not expected to disrupt LEMD3 protein function with a negative predictive value of 80%. In summary, the available evidence is currently insufficient to determine the role of this variant in disease. Therefore, it has been classified as a Variant of Uncertain Significance.

NM_014319.5(LEMD3):c.881T>C (p.Leu294Pro)

Gene: LEMD3 (LEM domain containing 3; plus strand). Cytogenetic location: 12q14.3.
Variant type: single nucleotide variant.
Coding change: c.881T>C on transcript NM_014319.5 (MANE Select); coding-DNA position 881, T replaced by C.
Protein change: p.Leu294Pro; replaces leucine 294 with proline.
Molecular consequence: missense variant.
Genome position (GRCh38, 1-based): chr12:65,170,477, T>C. VCF-style: chr12-65170477-T-C. GRCh37 (hg19) VCF-style: chr12-65564257-T-C.
Other names: c.881T>C, p.Leu294Pro (NM_001167614.2); c.881T>C (NM_014319.4); short protein forms L294P.
Identifiers: ClinVar variation 2899080 (VCV002899080.4), dbSNP rs1565776064, ClinGen allele CA385674352.